The following is an entry in ClinVar:

ClinVar aggregate classification (germline): Likely benign. Review status: criteria provided, multiple submitters, no conflicts (2 of 4 stars). 2 submissions from 2 submitters: Likely benign (2). Last evaluated 2026-07-01.

Allele frequency attached by ClinVar (database versions not stated): gnomAD exomes 0.00004; TOPMed 0.00005; gnomAD 0.00006; ESP Exome Variant Server 0.00015.
gnomAD v4.1: 63 of 1,600,770 alleles (0.0039%); highest among the groups gnomAD compares: Admixed American, 0.0068%; no homozygotes.

Submissions (2):

CeGaT Center for Human Genetics Tuebingen
Classification: Likely benign. Last evaluated: 2026-07-01. Review status: criteria provided, single submitter. Criteria: CeGaT Center For Human Genetics Tuebingen Variant Classification Criteria Version 2. Collection method: clinical testing. Allele origin: germline. Affected: yes. Observed: 1 variant allele.
Comment: DCHS1: BP4, BP7

Labcorp Genetics (formerly Invitae), Labcorp
Classification: Likely benign. Last evaluated: 2026-01-29. Review status: criteria provided, single submitter. Criteria: Invitae Variant Classification Sherloc (09022015). Collection method: clinical testing. Allele origin: germline.

NM_003737.4(DCHS1):c.1812C>T (p.Asp604=)

Gene: DCHS1 (dachsous cadherin-related 1; minus strand). Cytogenetic location: 11p15.4.
Variant type: single nucleotide variant.
Coding change: c.1812C>T on transcript NM_003737.4 (MANE Select); coding-DNA position 1812, C replaced by T.
Protein change: p.Asp604=; no amino-acid change (aspartic acid 604 retained).
Molecular consequence: synonymous variant.
Genome position (GRCh38, 1-based): chr11:6,634,292, G>A on the plus strand (C>T on the coding strand, the complement: DCHS1 is on the minus strand). VCF-style: chr11-6634292-G-A. GRCh37 (hg19) VCF-style: chr11-6655523-G-A.
Identifiers: ClinVar variation 1585360 (VCV001585360.9), dbSNP rs137978102, ClinGen allele CA5860879.